The following is an entry in ClinVar:

NM_000391.4(TPP1):c.188A>T (p.Glu63Val)

Gene: TPP1 (tripeptidyl peptidase 1; minus strand). Cytogenetic location: 11p15.4.
Variant type: single nucleotide variant.
Coding change: c.188A>T on transcript NM_000391.4 (MANE Select); coding-DNA position 188, A replaced by T.
Protein change: p.Glu63Val; replaces glutamic acid 63 with valine.
Molecular consequence: missense variant.
Genome position (GRCh38, 1-based): chr11:6,618,817, T>A on the plus strand (A>T on the coding strand, the complement: TPP1 is on the minus strand). VCF-style: chr11-6618817-T-A. GRCh37 (hg19) VCF-style: chr11-6640048-T-A.
Other names: short protein forms E63V.
Identifiers: ClinVar variation 2161711 (VCV002161711.2), dbSNP rs767113956, ClinGen allele CA5859038.
Genomic context (GRCh38, chr11:6,618,817, plus strand): 5'-CCTCAGTCCCAAAAGGCACCGTATTGAGGAGAGCTGGGATCCGACACAGCCTGCACCAGC[T>A]CCGAGAGTCTTTCCACATTCTGCTGTCTCAGGGCAAAGGTGAGACTCAGCTCTTCCTCAG-3'
Protein context (NP_000382.3, residues 53-73): LRQQNVERLS[Glu63Val]LVQAVSDPSS

ClinVar aggregate classification (germline): Uncertain significance. Review status: criteria provided, multiple submitters, no conflicts (2 of 4 stars). 2 submissions from 2 submitters: Uncertain significance (2). Last evaluated 2022-07-12.

Allele frequency attached by ClinVar (database versions not stated): gnomAD exomes below 0.00001; TOPMed below 0.00001; gnomAD 0.00001; ExAC 0.00002.
gnomAD v4.1: 3 of 1,613,864 alleles (0.00019%); highest among the groups gnomAD compares: East Asian, 0.0045%; no homozygotes.

Submissions (2):

Labcorp Genetics (formerly Invitae), Labcorp
Classification: Uncertain significance. Last evaluated: 2022-07-12. Review status: criteria provided, single submitter. Criteria: Invitae Variant Classification Sherloc (09022015). Collection method: clinical testing. Allele origin: germline.
Comment: This sequence change replaces glutamic acid, which is acidic and polar, with valine, which is neutral and non-polar, at codon 63 of the TPP1 protein (p.Glu63Val). This variant is present in population databases (rs767113956, gnomAD 0.02%). This variant has not been reported in the literature in individuals affected with TPP1-related conditions. Algorithms developed to predict the effect of missense changes on protein structure and function are either unavailable or do not agree on the potential impact of this missense change (SIFT: "Deleterious"; PolyPhen-2: "Benign"; Align-GVGD: "Class C0"). In summary, the available evidence is currently insufficient to determine the role of this variant in disease. Therefore, it has been classified as a Variant of Uncertain Significance.

Blueprint Genetics
Classification: Uncertain significance. Last evaluated: 2022-03-25. Review status: criteria provided, single submitter. Criteria: ACMG Guidelines, 2015. Collection method: clinical testing. Allele origin: germline.